The following is an entry in ClinVar:

NM_000135.4(FANCA):c.376A>G (p.Thr126Ala)

Gene: FANCA (FA complementation group A; minus strand). Cytogenetic location: 16q24.3.
Variant type: single nucleotide variant.
Coding change: c.376A>G on transcript NM_000135.4 (MANE Select); coding-DNA position 376, A replaced by G.
Protein change: p.Thr126Ala; replaces threonine 126 with alanine.
Molecular consequence: missense variant.
Genome position (GRCh38, 1-based): chr16:89,810,979, T>C on the plus strand (A>G on the coding strand, the complement: FANCA is on the minus strand). VCF-style: chr16-89810979-T-C. GRCh37 (hg19) VCF-style: chr16-89877387-T-C.
Other names: c.376A>G, p.Thr126Ala (NM_001018112.3, NM_001286167.3, NM_001351830.2); short protein forms T126A.
Identifiers: ClinVar variation 2981915 (VCV002981915.3), dbSNP rs953219736, ClinGen allele CA286608242.

ClinVar aggregate classification (germline): Uncertain significance (1 of 4 stars; one submission).

Conditions:
Fanconi anemia (FA). Also called: Fanconi's anemia. Identifiers: Orphanet 84, MedGen C0015625, MeSH D005199, MONDO:0019391.

Allele frequency attached by ClinVar (database versions not stated): gnomAD exomes 0.00001; TOPMed 0.00005.
gnomAD v4.1: 12 of 1,613,978 alleles (0.00074%); highest among the groups gnomAD compares: East Asian, 0.0022%; no homozygotes.

Submission:

Labcorp Genetics (formerly Invitae), Labcorp
Classification: Uncertain significance for Fanconi anemia. Last evaluated: 2023-02-15. Review status: criteria provided, single submitter. Criteria: Invitae Variant Classification Sherloc (09022015). Collection method: clinical testing. Allele origin: germline.
Comment: This sequence change replaces threonine, which is neutral and polar, with alanine, which is neutral and non-polar, at codon 126 of the FANCA protein (p.Thr126Ala). This variant is present in population databases (no rsID available, gnomAD 0.003%). This variant has not been reported in the literature in individuals affected with FANCA-related conditions. Advanced modeling of protein sequence and biophysical properties (such as structural, functional, and spatial information, amino acid conservation, physicochemical variation, residue mobility, and thermodynamic stability) performed at Invitae indicates that this missense variant is not expected to disrupt FANCA protein function. In summary, the available evidence is currently insufficient to determine the role of this variant in disease. Therefore, it has been classified as a Variant of Uncertain Significance.